The following is an entry in ClinVar:

ClinVar aggregate classification (germline): Uncertain significance (1 of 4 stars; one submission).

Submission:

Dasa
Classification: Uncertain significance. Last evaluated: 2025-11-18. Review status: criteria provided, single submitter. Criteria: DASA Assertion Criteria. Collection method: clinical testing. Allele origin: germline.
Comment: NM_020822.3(KCNT1):c.2006_2008+21delinsGGGTTAGCCGGGACAGGCGCGCA is an intronic variant. This variant is absent from population databases. The currently available literature and clinical evidence are not sufficient to establish a definitive association between this variant and the reported condition. Therefore, this variant is classified as a variant of uncertain significance.

NM_020822.3(KCNT1):c.2006_2008+21delinsGGGTTAGCCGGGACAGGCGCGCA

Gene: KCNT1 (potassium sodium-activated channel subfamily T member 1; plus strand). Cytogenetic location: 9q34.3.
Variant type: Indel.
Coding change: c.2006_2008+21delinsGGGTTAGCCGGGACAGGCGCGCA on transcript NM_020822.3 (MANE Select); coding-DNA position 2006 through 21 bases into the intron after coding-DNA position 2008, TGGGTGAGCCGGGACAGGCGCGCG replaced by GGGTTAGCCGGGACAGGCGCGCA.
Molecular consequence: splice donor variant.
Genome position (GRCh38, 1-based): chr9:135,771,093-135,771,116, TGGGTGAGCCGGGACAGGCGCGCG replaced by GGGTTAGCCGGGACAGGCGCGCA. GRCh37 (hg19): chr9:138,662,939-138,662,962.
Other names: c.1871_1873+21delinsGGGTTAGCCGGGACAGGCGCGCA (NM_001272003.2).
Identifiers: ClinVar variation 4886377 (VCV004886377.2).